The following is an entry in ClinVar:

NM_003579.4(RAD54L):c.338T>A (p.Leu113Gln)

Gene: RAD54L (RAD54 like; plus strand). Cytogenetic location: 1p34.1.
Variant type: single nucleotide variant.
Coding change: c.338T>A on transcript NM_003579.4 (MANE Select); coding-DNA position 338, T replaced by A.
Protein change: p.Leu113Gln; replaces leucine 113 with glutamine.
Molecular consequence: missense variant. On other transcripts: 5 prime UTR variant (1).
Genome position (GRCh38, 1-based): chr1:46,260,030, T>A. VCF-style: chr1-46260030-T-A. GRCh37 (hg19) VCF-style: chr1-46725702-T-A.
Other names: c.338T>A, p.Leu113Gln (NM_001142548.2); c.-203T>A (NM_001370766.1); short protein forms L113Q.
Identifiers: ClinVar variation 1730890 (VCV001730890.3), dbSNP rs1660062014, ClinGen allele CA340182228.

ClinVar aggregate classification (germline): Uncertain significance (1 of 4 stars; one submission).

Allele frequency attached by ClinVar (database versions not stated): gnomAD exomes below 0.00001.
gnomAD v4.1: 1 of 1,614,142 alleles (0.000062%); highest among the groups gnomAD compares: Non-Finnish European, 0.000085%; no homozygotes.

Submission:

Ambry Genetics
Classification: Uncertain significance. Last evaluated: 2024-04-04. Review status: criteria provided, single submitter. Criteria: Ambry Variant Classification Scheme 2023. Collection method: clinical testing. Allele origin: germline.
Comment: The p.L113Q variant (also known as c.338T>A), located in coding exon 5 of the RAD54L gene, results from a T to A substitution at nucleotide position 338. The leucine at codon 113 is replaced by glutamine, an amino acid with dissimilar properties. This amino acid position is conserved. In addition, this alteration is predicted to be tolerated by in silico analysis. Since supporting evidence is limited at this time, the clinical significance of this alteration remains unclear.